The following is an entry in ClinVar:

NM_001386140.1(MTTP):c.421G>C (p.Glu141Gln)

Gene: MTTP (microsomal triglyceride transfer protein; plus strand). Cytogenetic location: 4q23.
Variant type: single nucleotide variant.
Coding change: c.421G>C on transcript NM_001386140.1 (MANE Select); coding-DNA position 421, G replaced by C.
Protein change: p.Glu141Gln; replaces glutamic acid 141 with glutamine.
Molecular consequence: missense variant.
Genome position (GRCh38, 1-based): chr4:99,589,670, G>C. VCF-style: chr4-99589670-G-C. GRCh37 (hg19) VCF-style: chr4-100510827-G-C.
Other names: c.421G>C, p.Glu141Gln (NM_000253.4); c.172G>C, p.Glu58Gln (NM_001300785.2); short protein forms E58Q, E141Q.
Identifiers: ClinVar variation 1354644 (VCV001354644.8), dbSNP rs759413233, ClinGen allele CA3021847.

ClinVar aggregate classification (germline): Uncertain significance. Review status: criteria provided, multiple submitters, no conflicts (2 of 4 stars). 2 submissions from 2 submitters: Uncertain significance (2). Last evaluated 2021-04-02.

Allele frequency attached by ClinVar (database versions not stated): gnomAD exomes below 0.00001 and 0.00002; TOPMed below 0.00001; ExAC 0.00001.
gnomAD v4.1: 3 of 1,608,316 alleles (0.00019%); highest among the groups gnomAD compares: Non-Finnish European, 0.00017%; no homozygotes.

Submissions (2):

Labcorp Genetics (formerly Invitae), Labcorp
Classification: Uncertain significance. Last evaluated: 2021-04-02. Review status: criteria provided, single submitter. Criteria: Invitae Variant Classification Sherloc (09022015). Collection method: clinical testing. Allele origin: germline.
Comment: This sequence change replaces glutamic acid with glutamine at codon 141 of the MTTP protein (p.Glu141Gln). The glutamic acid residue is highly conserved and there is a small physicochemical difference between glutamic acid and glutamine. This variant is present in population databases (rs759413233, ExAC 0.002%). This variant has not been reported in the literature in individuals with MTTP-related conditions. Algorithms developed to predict the effect of missense changes on protein structure and function are either unavailable or do not agree on the potential impact of this missense change (SIFT: "Deleterious"; PolyPhen-2: "Probably Damaging"; Align-GVGD: "Class C0"). In summary, the available evidence is currently insufficient to determine the role of this variant in disease. Therefore, it has been classified as a Variant of Uncertain Significance.

Blueprint Genetics
Classification: Uncertain significance. Last evaluated: 2020-01-20. Review status: criteria provided, single submitter. Criteria: ACMG Guidelines, 2015. Collection method: clinical testing. Allele origin: germline.